The following is an entry in ClinVar:

NM_001375834.1(WIPF1):c.1092A>G (p.Arg364=)

Gene: WIPF1 (WAS/WASL interacting protein family member 1; minus strand). Cytogenetic location: 2q31.1.
Variant type: single nucleotide variant.
Coding change: c.1092A>G on transcript NM_001375834.1 (MANE Select); coding-DNA position 1092, A replaced by G.
Protein change: p.Arg364=; no amino-acid change (arginine 364 retained).
Molecular consequence: synonymous variant.
Genome position (GRCh38, 1-based): chr2:174,571,713, T>C on the plus strand (A>G on the coding strand, the complement: WIPF1 is on the minus strand). VCF-style: chr2-174571713-T-C. GRCh37 (hg19) VCF-style: chr2-175436441-T-C.
Other names: c.1092A>G, p.Arg364= (NM_001077269.1, NM_001375832.1, NM_001375833.1 and 5 more transcripts); c.714A>G, p.Arg238= (NM_001375839.1).
Identifiers: ClinVar variation 1573379 (VCV001573379.21), dbSNP rs199706736, ClinGen allele CA1974000.

ClinVar aggregate classification (germline): Likely benign. Review status: criteria provided, multiple submitters, no conflicts (2 of 4 stars). 2 submissions from 2 submitters: Likely benign (2). Last evaluated 2024-12-01.

Conditions:
Wiskott-Aldrich syndrome 2 (WAS2). Also called: WIPF1 DEFICIENCY. Identifiers: Orphanet 906, MedGen C3281001, MONDO:0013779, OMIM 614493.

Allele frequency attached by ClinVar (database versions not stated): gnomAD exomes below 0.00001; TOPMed below 0.00001; ExAC 0.00001; gnomAD 0.00001.

Submissions (2):

CeGaT Center for Human Genetics Tuebingen
Classification: Likely benign. Last evaluated: 2024-12-01. Review status: criteria provided, single submitter. Criteria: CeGaT Center For Human Genetics Tuebingen Variant Classification Criteria Version 2. Collection method: clinical testing. Allele origin: germline. Affected: yes. Observed: 1 variant allele.
Comment: WIPF1: BP4, BP7

Labcorp Genetics (formerly Invitae), Labcorp
Classification: Likely benign for Wiskott-Aldrich syndrome 2. Last evaluated: 2022-07-19. Review status: criteria provided, single submitter. Criteria: Invitae Variant Classification Sherloc (09022015). Collection method: clinical testing. Allele origin: germline.